The following is an entry in ClinVar:

ClinVar aggregate classification (germline): Uncertain significance (1 of 4 stars; one submission).

Conditions:
X-linked myopathy with postural muscle atrophy. Also called: FHL1-Related Emery-Dreifuss Muscular Dystrophy, X-Linked. Identifiers: Orphanet 178461, MedGen C2678055, MONDO:0010401, OMIM 300696.

Submission:

Labcorp Genetics (formerly Invitae), Labcorp
Classification: Uncertain significance for X-linked myopathy with postural muscle atrophy. Last evaluated: 2020-12-29. Review status: criteria provided, single submitter. Criteria: Invitae Variant Classification Sherloc (09022015). Collection method: clinical testing. Allele origin: germline.
Comment: This sequence change replaces cysteine with arginine at codon 71 of the FHL1 protein (p.Cys71Arg). The cysteine residue is highly conserved and there is a large physicochemical difference between cysteine and arginine. This variant is not present in population databases (ExAC no frequency). This variant has not been reported in the literature in individuals with FHL1-related conditions. Algorithms developed to predict the effect of missense changes on protein structure and function (SIFT, PolyPhen-2, Align-GVGD) all suggest that this variant is likely to be disruptive, but these predictions have not been confirmed by published functional studies and their clinical significance is uncertain. In summary, the available evidence is currently insufficient to determine the role of this variant in disease. Therefore, it has been classified as a Variant of Uncertain Significance.

NM_001159699.2(FHL1):c.259T>C (p.Cys87Arg)

Gene: FHL1 (four and a half LIM domains 1; plus strand). Cytogenetic location: Xq26.3.
Variant type: single nucleotide variant.
Coding change: c.259T>C on transcript NM_001159699.2 (MANE Select); coding-DNA position 259, T replaced by C.
Protein change: p.Cys87Arg; replaces cysteine 87 with arginine.
Molecular consequence: missense variant. On other transcripts: non-coding transcript variant (1).
Genome position (GRCh38, 1-based): chrX:136,207,070, T>C. VCF-style: chrX-136207070-T-C. GRCh37 (hg19) VCF-style: chrX-135289229-T-C.
Other names: c.211T>C, p.Cys71Arg (NM_001159700.2, NM_001159702.3, NM_001159703.2 and 9 more transcripts); c.298T>C, p.Cys100Arg (NM_001159701.2); c.259T>C, p.Cys87Arg (NM_001330659.2); short protein forms C71R, C100R, C87R.
Identifiers: ClinVar variation 1497527 (VCV001497527.8), dbSNP rs2148373315, ClinGen allele CA414608004.